The following is an entry in ClinVar:

ClinVar aggregate classification (germline): Likely pathogenic (1 of 4 stars; one submission).

Conditions:
Dilated cardiomyopathy 1G (CMD1G). Identifiers: Orphanet 154, MedGen C1858763, MONDO:0011400, OMIM 604145.
Autosomal recessive limb-girdle muscular dystrophy type 2J (LGMDR10). Also called: Limb-girdle muscular dystrophy, type 2J; MUSCULAR DYSTROPHY, LIMB-GIRDLE, AUTOSOMAL RECESSIVE 10. Identifiers: Orphanet 140922, MedGen C1837342, MONDO:0012127, OMIM 608807.

Submission:

Labcorp Genetics (formerly Invitae), Labcorp
Classification: Likely pathogenic for Dilated cardiomyopathy 1G; Autosomal recessive limb-girdle muscular dystrophy type 2J. Last evaluated: 2025-10-08. Review status: criteria provided, single submitter. Criteria: Invitae Variant Classification Sherloc (09022015). Collection method: clinical testing. Allele origin: germline.
Comment: This sequence change creates a premature translational stop signal (p.Ala14159Glnfs*14) in the TTN gene. While this is not anticipated to result in nonsense mediated decay, it is expected to create a truncated TTN protein. This variant is not present in population databases (gnomAD no frequency). This variant has not been reported in the literature in individuals affected with TTN-related conditions. ClinVar contains an entry for this variant (Variation ID: 837731). This variant is located in the I band of TTN (PMID: 25589632). Truncating variants in this region have been reported in individuals affected with autosomal recessive centronuclear myopathy (PMID: 23975875, internal data). Truncating variants in this region have also been identified in individuals affected with autosomal dominant dilated cardiomyopathy and/or cardio-related conditions (PMID: 27869827, 32964742, internal data). In summary, the currently available evidence indicates that the variant is pathogenic, but additional data are needed to prove that conclusively. Therefore, this variant has been classified as Likely Pathogenic.

Literature cited by the submitters: PubMed 25589632; PubMed 23975875; PubMed 27869827; PubMed 32964742.

NM_001267550.2(TTN):c.42474del (p.Ala14159fs)

Gene: TTN (titin; minus strand). Cytogenetic location: 2q31.2.
Variant type: Deletion.
Coding change: c.42474del on transcript NM_001267550.2 (MANE Select); coding-DNA position 42474, one base deleted (A; older notation c.42474delA).
Protein change: p.Ala14159fs; shifts the reading frame from alanine 14159.
Molecular consequence: frameshift variant.
Genome position (GRCh38, 1-based): chr2:178,634,025, T deleted on the plus strand (A on the coding strand, the reverse complement: TTN is on the minus strand). VCF-style (leftmost placement, unchanged base first): chr2-178634024-CT-C. GRCh37 (hg19) VCF-style: chr2-179498751-CT-C.
Other names: c.37551del, p.Ala12518fs (NM_001256850.1); c.15279del, p.Ala5094fs (NM_003319.4); c.34770del, p.Ala11591fs (NM_133378.4); c.15654del, p.Ala5219fs (NM_133432.3); c.15855del, p.Ala5286fs (NM_133437.4); short protein forms A5219fs, A14159fs, A5286fs, A11591fs, A12518fs, A5094fs.
Identifiers: ClinVar variation 837731 (VCV000837731.10), dbSNP rs2060122241, ClinGen allele CA916081350.